The following is an entry in ClinVar:

ClinVar aggregate classification (germline): Pathogenic (1 of 4 stars; one submission).

Submission:

Labcorp Genetics (formerly Invitae), Labcorp
Classification: Pathogenic. Last evaluated: 2023-12-19. Review status: criteria provided, single submitter. Criteria: Invitae Variant Classification Sherloc (09022015). Collection method: clinical testing. Allele origin: germline.
Comment: This sequence change creates a premature translational stop signal (p.Pro795Argfs*68) in the MYO15A gene. It is expected to result in an absent or disrupted protein product. Loss-of-function variants in MYO15A are known to be pathogenic (PMID: 17546645). The frequency data for this variant in the population databases is considered unreliable, as metrics indicate poor data quality at this position in the gnomAD database. This variant has not been reported in the literature in individuals affected with MYO15A-related conditions. For these reasons, this variant has been classified as Pathogenic.

Literature cited by the submitters: PubMed 17546645.

NM_016239.4(MYO15A):c.2384del (p.Pro795fs)

Gene: MYO15A (myosin XVA; plus strand). Cytogenetic location: 17p11.2.
Variant type: Deletion.
Coding change: c.2384del on transcript NM_016239.4 (MANE Select); coding-DNA position 2384, one base deleted (C; older notation c.2384delC).
Protein change: p.Pro795fs; shifts the reading frame from proline 795.
Molecular consequence: frameshift variant.
Genome position (GRCh38, 1-based): chr17:18,121,184, C deleted; the last of 5 consecutive C bases (chr17:18,121,180-18,121,184); deleting any one gives the same sequence. VCF-style (leftmost placement, unchanged base first): chr17-18121179-GC-G. GRCh37 (hg19) VCF-style: chr17-18024493-GC-G.
Other names: short protein forms P795fs.
Identifiers: ClinVar variation 2704205 (VCV002704205.3), dbSNP rs1567624190, ClinGen allele CA625315044.